The following is an entry in ClinVar:

ClinVar aggregate classification (germline): Uncertain significance (1 of 4 stars; one submission).

Submission:

New York Genome Center
Classification: Uncertain significance. Last evaluated: 2020-07-17. Review status: criteria provided, single submitter. Criteria: NYGC Assertion Criteria 2020. Collection method: clinical testing. Allele origin: germline. Observed: 1 heterozygote. Study: CSER-NYCKidSeq.
Comment: The c.1778A>T (p.Asn593Ile) variant in exon 11 of 11 of HNRNPR has not been reported in affected individuals in the available literature. This variant is absent in gnomAD suggesting it is not a common benign variant in the populations represented in this database. In silico predictors suggest this variant is Neutral (Provean; score: -1.80) and Damaging (SIFT; score: 0.012). p.Asn593Ile variant seen in this individual is localized in the C-terminal QN domain (glutamine/asparagine-rich domain) similar to the previously reported missense variant seen in an affected individual [PMID: 31079900]. Given the current evidences regarding its pathogenicity, the c.1778A>T (p.Asn593Ile) variant identified in the HNRNPR gene is a Variant of Uncertain Significance.

NM_005826.5(HNRNPR):c.1769A>T (p.Asn590Ile)

Gene: HNRNPR (heterogeneous nuclear ribonucleoprotein R; minus strand). Cytogenetic location: 1p36.12.
Variant type: single nucleotide variant.
Coding change: c.1769A>T on transcript NM_005826.5 (MANE Select); coding-DNA position 1769, A replaced by T.
Protein change: p.Asn590Ile; replaces asparagine 590 with isoleucine.
Molecular consequence: missense variant.
Genome position (GRCh38, 1-based): chr1:23,310,587, T>A on the plus strand (A>T on the coding strand, the complement: HNRNPR is on the minus strand). VCF-style: chr1-23310587-T-A. GRCh37 (hg19) VCF-style: chr1-23637080-T-A.
Other names: c.1466A>T, p.Asn489Ile (NM_001102397.3); c.1778A>T, p.Asn593Ile (NM_001102398.3); c.1475A>T, p.Asn492Ile (NM_001102399.3); c.1655A>T, p.Asn552Ile (NM_001297620.2); c.1289A>T, p.Asn430Ile (NM_001297621.2); c.1352A>T, p.Asn451Ile (NM_001297622.2); short protein forms N430I, N451I, N489I, N492I, N552I, N590I, N593I.
Identifiers: ClinVar variation 1098608 (VCV001098608.1), dbSNP rs760744112, ClinGen allele CA339258458.